The following is an entry in ClinVar:

ClinVar aggregate classification (germline): Uncertain significance (1 of 4 stars; one submission).

Submission:

GeneDx
Classification: Uncertain significance. Last evaluated: 2022-07-11. Review status: criteria provided, single submitter. Criteria: GeneDx Variant Classification Process June 2021. Collection method: clinical testing. Allele origin: germline. Affected: yes.
Comment: Nonsense variant predicted to result in protein truncation or nonsense mediated decay in a gene or region of a gene for which loss of function is not a well-established mechanism of disease; Not observed at significant frequency in large population cohorts (gnomAD); Has not been previously published as pathogenic or benign to our knowledge

NM_001394062.1(MACF1):c.18121G>T (p.Glu6041Ter)

Gene: MACF1 (microtubule actin crosslinking factor 1; plus strand). Cytogenetic location: 1p34.3.
Variant type: single nucleotide variant.
Coding change: c.18121G>T on transcript NM_001394062.1 (MANE Select); coding-DNA position 18121, G replaced by T.
Protein change: p.Glu6041Ter; replaces glutamic acid 6041 with a stop codon.
Molecular consequence: nonsense.
Genome position (GRCh38, 1-based): chr1:39,437,909, G>T. VCF-style: chr1-39437909-G-T. GRCh37 (hg19) VCF-style: chr1-39903581-G-T.
Other names: c.6199G>T, p.Glu2067Ter (NM_001397473.1); c.11944G>T, p.Glu3982Ter (NM_012090.5); short protein forms E2067*, E3982*, E6041*.
Identifiers: ClinVar variation 1878964 (VCV001878964.1), dbSNP rs2523131409, ClinGen allele CA339807657.
Genomic context (GRCh38, chr1:39,437,909, plus strand): 5'-ATCCCTGCTGAAGTAGACAAGATCAGAGAGTGCATCAGTGACAATAAGAGTGCCACCGTG[G>T]AGCTAGAAAAACTGCAGCCATCCTTTGAGGCCTTGAAGCGCCGTGGAGAGGAGCTTATTG-3'